The following is an entry in ClinVar:

NM_018124.4(RFWD3):c.979T>C (p.Cys327Arg)

Gene: RFWD3 (ring finger and WD repeat domain 3; minus strand). Cytogenetic location: 16q23.1.
Variant type: single nucleotide variant.
Coding change: c.979T>C on transcript NM_018124.4 (MANE Select); coding-DNA position 979, T replaced by C.
Protein change: p.Cys327Arg; replaces cysteine 327 with arginine.
Molecular consequence: missense variant.
Genome position (GRCh38, 1-based): chr16:74,644,549, A>G on the plus strand (T>C on the coding strand, the complement: RFWD3 is on the minus strand). VCF-style: chr16-74644549-A-G. GRCh37 (hg19) VCF-style: chr16-74678447-A-G.
Other names: c.979T>C, p.Cys327Arg (NM_001370534.1, NM_001370535.1, NM_001370536.1); c.145T>C, p.Cys49Arg (NM_001370537.1, NM_001370539.1, NM_001370540.1 and 2 more transcripts); short protein forms C49R, C327R.
Identifiers: ClinVar variation 3722184 (VCV003722184.2).

ClinVar aggregate classification (germline): Uncertain significance (1 of 4 stars; one submission).

gnomAD v4.1: 4 of 1,614,186 alleles (0.00025%); highest among the groups gnomAD compares: Non-Finnish European, 0.000085%; no homozygotes.

Submission:

Labcorp Genetics (formerly Invitae), Labcorp
Classification: Uncertain significance. Last evaluated: 2024-10-10. Review status: criteria provided, single submitter. Criteria: Invitae Variant Classification Sherloc (09022015). Collection method: clinical testing. Allele origin: germline.
Comment: This sequence change replaces cysteine, which is neutral and slightly polar, with arginine, which is basic and polar, at codon 327 of the RFWD3 protein (p.Cys327Arg). This variant is present in population databases (rs755647088, gnomAD 0.01%). This variant has not been reported in the literature in individuals affected with RFWD3-related conditions. An algorithm developed to predict the effect of missense changes on protein structure and function (PolyPhen-2) suggests that this variant is likely to be disruptive. In summary, the available evidence is currently insufficient to determine the role of this variant in disease. Therefore, it has been classified as a Variant of Uncertain Significance.